The following is an entry in ClinVar:

ClinVar aggregate classification (germline): Uncertain significance (1 of 4 stars; one submission).

gnomAD v4.1: 15 of 1,613,262 alleles (0.00093%); highest among the groups gnomAD compares: Non-Finnish European, 0.0013%; no homozygotes.

Submission:

Labcorp Genetics (formerly Invitae), Labcorp
Classification: Uncertain significance. Last evaluated: 2025-09-11. Review status: criteria provided, single submitter. Criteria: Invitae Variant Classification Sherloc (09022015). Collection method: clinical testing. Allele origin: germline.
Comment: This sequence change replaces valine, which is neutral and non-polar, with isoleucine, which is neutral and non-polar, at codon 2787 of the SPEG protein (p.Val2787Ile). This variant is present in population databases (no rsID available, gnomAD 0.0009%). This variant has not been reported in the literature in individuals affected with SPEG-related conditions. An algorithm developed to predict the effect of missense changes on protein structure and function outputs the following: PolyPhen-2: "Benign". The isoleucine amino acid residue is found in multiple mammalian species, which suggests that this missense change does not adversely affect protein function. In summary, the available evidence is currently insufficient to determine the role of this variant in disease. Therefore, it has been classified as a Variant of Uncertain Significance.

NM_005876.5(SPEG):c.8359G>A (p.Val2787Ile)

Genes: ASIC4-AS1 (ASIC4 antisense RNA 1; minus strand), SPEG (striated muscle enriched protein kinase; plus strand). Cytogenetic location: 2q35.
Variant type: single nucleotide variant.
Coding change: c.8359G>A on transcript NM_005876.5 (MANE Select); coding-DNA position 8359, G replaced by A.
Protein change: p.Val2787Ile; replaces valine 2787 with isoleucine.
Molecular consequence: missense variant.
Genome position (GRCh38, 1-based): chr2:219,489,377, G>A. VCF-style: chr2-219489377-G-A. GRCh37 (hg19) VCF-style: chr2-220354099-G-A.
Other names: short protein forms V2787I.
Identifiers: ClinVar variation 4699774 (VCV004699774.1).